The following is an entry in ClinVar:

NM_018136.5(ASPM):c.4691G>T (p.Cys1564Phe)

Gene: ASPM (assembly factor for spindle microtubules; minus strand). Cytogenetic location: 1q31.3.
Variant type: single nucleotide variant.
Coding change: c.4691G>T on transcript NM_018136.5 (MANE Select); coding-DNA position 4691, G replaced by T.
Protein change: p.Cys1564Phe; replaces cysteine 1564 with phenylalanine.
Molecular consequence: missense variant. On other transcripts: intron variant (1).
Genome position (GRCh38, 1-based): chr1:197,104,560, C>A on the plus strand (G>T on the coding strand, the complement: ASPM is on the minus strand). VCF-style: chr1-197104560-C-A. GRCh37 (hg19) VCF-style: chr1-197073690-C-A.
Other names: c.4066-8396G>T (NM_001206846.2); short protein forms C1564F.
Identifiers: ClinVar variation 3006761 (VCV003006761.4), dbSNP rs375940182, ClinGen allele CA1309884.
Genomic context (GRCh38, chr1:197,104,560, plus strand): 5'-TTCTTAAGGTTTAAAAATCGAACTCTGTCTTGTCTCATTCTCCAGTATGACTGAATAACA[C>A]AAGCAGCTCTAATTTGTCTACATAAATTATGAGCTTTCAGTCTCCTAAAAGCAGCTTGTA-3'
Protein context (NP_060606.3, residues 1554-1574): HNLCRQIRAA[Cys1564Phe]VIQSYWRMRQ

ClinVar aggregate classification (germline): Uncertain significance (1 of 4 stars; one submission).

Allele frequency attached by ClinVar (database versions not stated): ExAC 0.00002; TOPMed 0.00005; gnomAD 0.00006; ESP Exome Variant Server 0.00008.
gnomAD v4.1: 14 of 1,612,742 alleles (0.00087%); highest among the groups gnomAD compares: African/African-American, 0.019%; no homozygotes.

Submissions (2):

Labcorp Genetics (formerly Invitae), Labcorp
Classification: Uncertain significance. Last evaluated: 2024-07-04. Review status: criteria provided, single submitter. Criteria: Invitae Variant Classification Sherloc (09022015). Collection method: clinical testing. Allele origin: germline.
Comment: This sequence change replaces cysteine, which is neutral and slightly polar, with phenylalanine, which is neutral and non-polar, at codon 1564 of the ASPM protein (p.Cys1564Phe). This variant is present in population databases (rs375940182, gnomAD 0.01%). This variant has not been reported in the literature in individuals affected with ASPM-related conditions. Advanced modeling of protein sequence and biophysical properties (such as structural, functional, and spatial information, amino acid conservation, physicochemical variation, residue mobility, and thermodynamic stability) has been performed at Invitae for this missense variant, however the output from this modeling did not meet the statistical confidence thresholds required to predict the impact of this variant on ASPM protein function. In summary, the available evidence is currently insufficient to determine the role of this variant in disease. Therefore, it has been classified as a Variant of Uncertain Significance.

Dr. Peter K. Rogan Lab, Western University
No classification provided (evidence only). Condition: Malignant tumor of esophagus. Review status: no classification provided. Collection method: in vitro. Allele origin: not applicable. Functional consequence: retained intron. Not counted in ClinVar's aggregate classification.